The following is an entry in ClinVar:

ClinVar aggregate classification (germline): Uncertain significance (1 of 4 stars; one submission).

Allele frequency attached by ClinVar (database versions not stated): gnomAD exomes below 0.00001.
gnomAD v4.1: 1 of 1,613,124 alleles (0.000062%); highest among the groups gnomAD compares: Non-Finnish European, 0.000085%; no homozygotes.

Submission:

Labcorp Genetics (formerly Invitae), Labcorp
Classification: Uncertain significance. Last evaluated: 2021-09-24. Review status: criteria provided, single submitter. Criteria: Invitae Variant Classification Sherloc (09022015). Collection method: clinical testing. Allele origin: germline.
Comment: This sequence change replaces proline with serine at codon 1440 of the PCDH15 protein (p.Pro1440Ser). The proline residue is moderately conserved and there is a moderate physicochemical difference between proline and serine. This variant is not present in population databases (ExAC no frequency). This variant has not been reported in the literature in individuals with PCDH15-related conditions. Algorithms developed to predict the effect of missense changes on protein structure and function (SIFT, PolyPhen-2, Align-GVGD) all suggest that this variant is likely to be tolerated, but these predictions have not been confirmed by published functional studies and their clinical significance is uncertain. In summary, the available evidence is currently insufficient to determine the role of this variant in disease. Therefore, it has been classified as a Variant of Uncertain Significance.

NM_001384140.1(PCDH15):c.4318C>T (p.Pro1440Ser)

Gene: PCDH15 (protocadherin related 15; minus strand). Cytogenetic location: 10q21.1.
Variant type: single nucleotide variant.
Coding change: c.4318C>T on transcript NM_001384140.1 (MANE Select); coding-DNA position 4318, C replaced by T.
Protein change: p.Pro1440Ser; replaces proline 1440 with serine.
Molecular consequence: missense variant.
Genome position (GRCh38, 1-based): chr10:53,827,442, G>A on the plus strand (C>T on the coding strand, the complement: PCDH15 is on the minus strand). VCF-style: chr10-53827442-G-A. GRCh37 (hg19) VCF-style: chr10-55587202-G-A.
Other names: c.4333C>T, p.Pro1445Ser (NM_001142763.2, NM_001142771.2); c.4318C>T, p.Pro1440Ser (NM_001142764.2, NM_001142770.3, NM_001142772.2 and 3 more transcripts); c.4105C>T, p.Pro1369Ser (NM_001142765.2); c.4309C>T, p.Pro1437Ser (NM_001142766.2); c.4198C>T, p.Pro1400Ser (NM_001142767.2); c.4252C>T, p.Pro1418Ser (NM_001142768.2, NM_001354404.2); c.4354C>T, p.Pro1452Ser (NM_001142769.4); c.4243C>T, p.Pro1415Ser (NM_001142773.2); and 1 more; short protein forms P1452S, P1440S, P1415S, P1418S, P1445S, P1447S, P1369S, P1400S.
Identifiers: ClinVar variation 1518491 (VCV001518491.5), dbSNP rs2076754812, ClinGen allele CA376527652.